The following is an entry in ClinVar:

NM_001355436.2(SPTB):c.5301del (p.Ile1768fs)

Gene: SPTB (spectrin beta, erythrocytic; minus strand). Cytogenetic location: 14q23.3.
Variant type: Deletion.
Coding change: c.5301del on transcript NM_001355436.2 (MANE Select); coding-DNA position 5301, one base deleted (C; older notation c.5301delC).
Protein change: p.Ile1768fs; shifts the reading frame from isoleucine 1768.
Molecular consequence: frameshift variant.
Genome position (GRCh38, 1-based): chr14:64,772,832, G deleted on the plus strand (C on the coding strand, the reverse complement: SPTB is on the minus strand); the first of 2 consecutive G bases (chr14:64,772,832-64,772,833); deleting either gives the same sequence. VCF-style (leftmost placement, unchanged base first): chr14-64772831-TG-T. GRCh37 (hg19) VCF-style: chr14-65239549-TG-T.
Other names: p.Ile1768Serfs*8; c.5301del, p.Ile1768fs (NM_001024858.4, NM_001355437.2); short protein forms I1768fs.
Identifiers: ClinVar variation 4541844 (VCV004541844.1).

ClinVar aggregate classification (germline): Likely pathogenic (1 of 4 stars; one submission).

Submission:

Mayo Clinic Laboratories, Mayo Clinic
Classification: Likely pathogenic. Last evaluated: 2025-04-09. Review status: criteria provided, single submitter. Criteria: ACMG Guidelines, 2015. Collection method: clinical testing. Allele origin: germline. Observed: 1 variant allele.
Comment: PM2_supporting, PVS1